The following is an entry in ClinVar:

ClinVar aggregate classification (germline): Uncertain significance (1 of 4 stars; one submission).

Conditions:
RYR1-related disorder. Also called: RYR1-related condition; RYR1-related disorders. Identifiers: MedGen CN239331.

Submission:

Labcorp Genetics (formerly Invitae), Labcorp
Classification: Uncertain significance for RYR1-related disorder. Last evaluated: 2025-12-24. Review status: criteria provided, single submitter. Criteria: Invitae Variant Classification Sherloc (09022015). Collection method: clinical testing. Allele origin: germline.
Comment: This sequence change replaces leucine, which is neutral and non-polar, with glutamine, which is neutral and polar, at codon 48 of the RYR1 protein (p.Leu48Gln). This variant is not present in population databases (gnomAD no frequency). This variant has not been reported in the literature in individuals affected with RYR1-related conditions. Invitae Evidence Modeling of protein sequence and biophysical properties (such as structural, functional, and spatial information, amino acid conservation, physicochemical variation, residue mobility, and thermodynamic stability) indicates that this missense variant is expected to disrupt RYR1 protein function with a positive predictive value of 95%. In summary, the available evidence is currently insufficient to determine the role of this variant in disease. Therefore, it has been classified as a Variant of Uncertain Significance.

NM_000540.3(RYR1):c.143T>A (p.Leu48Gln)

Gene: RYR1 (ryanodine receptor 1; plus strand). Cytogenetic location: 19q13.2.
Variant type: single nucleotide variant.
Coding change: c.143T>A on transcript NM_000540.3 (MANE Select); coding-DNA position 143, T replaced by A.
Protein change: p.Leu48Gln; replaces leucine 48 with glutamine.
Molecular consequence: missense variant.
Genome position (GRCh38, 1-based): chr19:38,440,842, T>A. VCF-style: chr19-38440842-T-A. GRCh37 (hg19) VCF-style: chr19-38931482-T-A.
Other names: c.143T>A, p.Leu48Gln (NM_001042723.2); short protein forms L48Q.
Identifiers: ClinVar variation 4752288 (VCV004752288.1).
Genomic context (GRCh38, chr19:38,440,842, plus strand): 5'-TCAAGGAGCAGCTCAAGCTCTGCCTGGCCGCCGAGGGCTTCGGCAACCGCCTGTGCTTCC[T>A]GGAGCCCACTAGCAACGCGCAGGTCTGTGCAGGAGGGAGAGGGGCCTGGGGACAGGGGCG-3'
Protein context (NP_000531.2, residues 38-58): AEGFGNRLCF[Leu48Gln]EPTSNAQNVP